The following is an entry in ClinVar:

NM_007294.4(BRCA1):c.3456C>A (p.Asp1152Glu)

Genes: BRCA1 (BRCA1 DNA repair associated; minus strand), LOC126862571 (BRD4-independent group 4 enhancer GRCh37_chr17:41243136-41244335; plus strand). Cytogenetic location: 17q21.31.
Variant type: single nucleotide variant.
Coding change: c.3456C>A on transcript NM_007294.4 (MANE Select); coding-DNA position 3456, C replaced by A.
Protein change: p.Asp1152Glu; replaces aspartic acid 1152 with glutamic acid.
Molecular consequence: missense variant. On other transcripts: intron variant (135).
Genome position (GRCh38, 1-based): chr17:43,092,075, G>T on the plus strand (C>A on the coding strand, the complement: BRCA1 is on the minus strand). VCF-style: chr17-43092075-G-T. GRCh37 (hg19) VCF-style: chr17-41244092-G-T.
Other names: c.3333C>A, p.Asp1111Glu (NM_001407676.1, NM_001407677.1, NM_001407678.1 and 19 more transcripts); c.3456C>A, p.Asp1152Glu (NM_001407684.1, NM_001407854.1, NM_001407858.1 and 30 more transcripts); c.3330C>A, p.Asp1110Glu (NM_001407685.1, NM_001407686.1, NM_001407687.1 and 11 more transcripts); c.3315C>A, p.Asp1105Glu (NM_001407692.1, NM_001407694.1, NM_001407695.1 and 29 more transcripts); c.3312C>A, p.Asp1104Glu (NM_001407740.1, NM_001407741.1, NM_001407742.1 and 20 more transcripts); c.3243C>A, p.Asp1081Glu (NM_001407853.1, NM_001407894.1, NM_001407895.1 and 9 more transcripts); c.3453C>A, p.Asp1151Glu (NM_001407860.1, NM_001407861.1, NM_001407587.1 and 22 more transcripts); c.3255C>A, p.Asp1085Glu (NM_001407862.1); and 41 more; short protein forms D1105E, D1152E, D1040E, D1082E, D1085E, D1111E, D1126E, D1149E.
Identifiers: ClinVar variation 1370870 (VCV001370870.10), dbSNP rs2154314157, ClinGen allele CA10595071.
Genomic context (GRCh38, chr17:43,092,075, plus strand): 5'-TTCCTTAATGTCATTTTCAGCAAAACTAGTATCTTCCTTTATTTCACCATCATCTAACAG[G>T]TCATCAGGTGTCTCAGAACAAACCTGAGATGCATGACTACTTCCCATAGGCTGTTCTAAG-3'
Protein context (NP_009225.1, residues 1142-1162): ASQVCSETPD[Asp1152Glu]LLDDGEIKED

ClinVar aggregate classification (germline): Conflicting classifications of pathogenicity. Review status: criteria provided, conflicting classifications (1 of 4 stars). 3 submissions from 3 submitters: Uncertain significance (2); Likely benign (1). Last evaluated 2026-04-04.

Conditions:
Hereditary cancer-predisposing syndrome. Also called: Neoplastic Syndromes, Hereditary; Tumor predisposition; Hereditary Cancer Syndrome; Hereditary neoplastic syndrome. Identifiers: Orphanet 140162, MedGen C0027672, MeSH D009386, MONDO:0015356.
Hereditary breast ovarian cancer syndrome. Also called: Hereditary breast and ovarian cancer; Hereditary breast and ovarian cancer syndrome; Hereditary breast and ovarian cancer syndrome (HBOC); BRCA1- and BRCA2-Associated Hereditary Breast and Ovarian Cancer; Breast and ovarian cancer; Hereditary breast and/or ovarian cancer syndrome. Identifiers: Orphanet 145, MedGen C0677776, MeSH D061325, MONDO:0003582. Disease mechanism: loss of function.

Submissions (3):

Ambry Genetics
Classification: Uncertain significance for Hereditary cancer-predisposing syndrome. Last evaluated: 2026-04-04. Review status: criteria provided, single submitter. Criteria: Ambry Variant Classification Scheme 2023. Collection method: clinical testing. Allele origin: germline.
Comment: The p.D1152E variant (also known as c.3456C>A), located in coding exon 9 of the BRCA1 gene, results from a C to A substitution at nucleotide position 3456. The aspartic acid at codon 1152 is replaced by glutamic acid, an amino acid with highly similar properties. This amino acid position is conserved. In addition, the in silico prediction for this alteration is inconclusive. Based on the available evidence, the clinical significance of this variant remains unclear.

University of Washington Department of Laboratory Medicine, University of Washington
Classification: Likely benign for Hereditary cancer-predisposing syndrome. Last evaluated: 2023-03-23. Review status: criteria provided, single submitter. Criteria: Dines et al. (Genet Med. 2020). Collection method: curation. Allele origin: germline.
Comment: Missense variant in a coldspot region where missense variants are very unlikely to be pathogenic (PMID:31911673).

BRCA1 coldspot (exon 11 using historical exon numbering). Reclassification based on statistical prior probability

Labcorp Genetics (formerly Invitae), Labcorp
Classification: Uncertain significance for Hereditary breast ovarian cancer syndrome. Last evaluated: 2022-04-07. Review status: criteria provided, single submitter. Criteria: Invitae Variant Classification Sherloc (09022015). Collection method: clinical testing. Allele origin: germline.
Comment: In summary, the available evidence is currently insufficient to determine the role of this variant in disease. Therefore, it has been classified as a Variant of Uncertain Significance. Advanced modeling of protein sequence and biophysical properties (such as structural, functional, and spatial information, amino acid conservation, physicochemical variation, residue mobility, and thermodynamic stability) performed at Invitae indicates that this missense variant is not expected to disrupt BRCA1 protein function. This variant has not been reported in the literature in individuals affected with BRCA1-related conditions. This variant is not present in population databases (gnomAD no frequency). This sequence change replaces aspartic acid, which is acidic and polar, with glutamic acid, which is acidic and polar, at codon 1152 of the BRCA1 protein (p.Asp1152Glu).